The following is an entry in ClinVar:

ClinVar aggregate classification (germline): Conflicting classifications of pathogenicity. Review status: criteria provided, conflicting classifications (1 of 4 stars). 13 submissions from 13 submitters: Uncertain significance (7); Likely benign (2). 4 of the submissions do not count toward it. Last evaluated 2025-11-23.

Conditions:
Hereditary cancer-predisposing syndrome. Also called: Hereditary Cancer Syndrome; Hereditary neoplastic syndrome; Neoplastic Syndromes, Hereditary; Tumor predisposition. Identifiers: Orphanet 140162, MedGen C0027672, MeSH D009386, MONDO:0015356.
Hereditary breast ovarian cancer syndrome. Also called: BRCA1- and BRCA2-Associated Hereditary Breast and Ovarian Cancer; Hereditary breast and ovarian cancer syndrome; Hereditary breast and ovarian cancer syndrome (HBOC); Breast and ovarian cancer; Hereditary breast and/or ovarian cancer syndrome; Hereditary breast and ovarian cancer. Identifiers: Orphanet 145, MedGen C0677776, MeSH D061325, MONDO:0003582. Disease mechanism: loss of function.
Breast-ovarian cancer, familial, susceptibility to, 1 (BROVCA1). Also called: BRCA1 Hereditary Breast and Ovarian Cancer; OVARIAN CANCER, SUSCEPTIBILITY TO. Identifiers: Orphanet 145, MedGen C2676676, MONDO:0011450, OMIM 604370. Disease mechanism: loss of function.
BRCA1-related cancer predisposition. Identifiers: MedGen CN377757, MONDO:0700268.

Allele frequency attached by ClinVar (database versions not stated): gnomAD exomes below 0.00001; gnomAD 0.00001; TOPMed below 0.00001.

Submissions 1 to 7 of 14:

Labcorp Genetics (formerly Invitae), Labcorp
Classification: Likely benign for Hereditary breast ovarian cancer syndrome. Last evaluated: 2025-11-23. Review status: criteria provided, single submitter. Criteria: Invitae Variant Classification Sherloc (09022015). Collection method: clinical testing. Allele origin: germline.

Ambry Genetics
Classification: Uncertain significance for Hereditary cancer-predisposing syndrome. Last evaluated: 2025-08-04. Review status: criteria provided, single submitter. Criteria: Ambry Variant Classification Scheme 2023. Collection method: clinical testing. Allele origin: germline.
Comment: The p.M1689T variant (also known as c.5066T>C), located in coding exon 15 of the BRCA1 gene, results from a T to C substitution at nucleotide position 5066. The methionine at codon 1689 is replaced by threonine, an amino acid with similar properties. In one study, this alteration was subjected to multiple functional analyses and classified as a variant of uncertain significance based on p.M1689T being structurally stable but having comprised phosphopeptide binding activity and an uncertain effect on phosphopeptide binding specificity and transcriptional activation activity (Lee MS et al. Cancer Res. 2010 Jun; 70(12):4880-90). One functional study found that this nucleotide substitution is functional in a high-throughput, genome editing, haploid cell survival assay (Findlay GM et al. Nature, 2018 10;562:217-222). This alteration was observed with an allele frequency of 0.00014 in 7,051 unselected female breast cancer patients and was not observed in 11,241 female controls of Japanese ancestry (Momozawa Y et al. Nat Commun, 2018 10;9:4083). This amino acid position is well conserved in available vertebrate species. Based on internal structural analysis, M1689T is deleterious (Ambry internal data). In addition, the in silico prediction for this alteration is inconclusive. Since supporting evidence is conflicting at this time, the clinical significance of this alteration remains unclear.

All of Us Research Program, National Institutes of Health
Classification: Uncertain significance for BRCA1-related cancer predisposition. Last evaluated: 2024-04-16. Review status: criteria provided, single submitter. Criteria: ACMG Guidelines, 2015. Collection method: clinical testing. Allele origin: germline. Inheritance: Autosomal dominant inheritance. Observed: 1 variant allele, 1 heterozygote.
Comment: This missense variant replaces methionine with threonine at codon 1689 of the BRCA1 protein. Computational prediction is inconclusive regarding the impact of this variant on protein structure and function. This variant does not impact BRCA1 function in a haploid human cell proliferation assay (PMID: 30209399). Two different missense variants at this codon, p.Met1689Lys and p.Met1689Arg, with predicted more severe disruption have been reported as disease-causing in ClinVar (variation ID: 37625, 864899). This variant has not been identified in the general population by the Genome Aggregation Database (gnomAD). The available evidence is insufficient to determine the role of this variant in disease conclusively. Therefore, this variant is classified as a Variant of Uncertain Significance.

This study involves interpretation of variants in research participants for the purpose of population health screening. Participant phenotype was not available at the time of variant classification. Additional details can be found in publication PMID: 35346344, PMCID: PMC8962531

Lupski Lab, Baylor-Hopkins CMG, Baylor College of Medicine
Classification: Likely benign for Breast-ovarian cancer, familial, susceptibility to, 1. Last evaluated: 2024-04-12. Review status: criteria provided, single submitter. Criteria: Dawood et al. (medRxiv. 2024). Collection method: curation. Allele origin: germline.
Comment: Each variant was annotated with functional scores from MAVE data which was translated into functional evidence codes. All other evidence codes and combining criteria were adhered to as closely as possible based on the ClinGen VCEP (Variant Curation Expert Panel) gene-specific recommendations. See Supplemental Figure 34 of final paper (Supp Fig. 28 in preprint: doi:10.1101/2024.04.11.24305690) for a table to see which lines of evidence we did not have data for. The ClinGen VCEPs are highly regarded as the gold-standard for gene-specific variant curation and are developed after extensive evaluation of the evidence by clinical and scientific experts for the particular gene to classify genomic variants on a spectrum from pathogenic to benign using the 2015 ACMG/AMP Variant Interpretation Guidelines as a backbone (PMID: 25741868). Reclassification of these VUS variants from gnomAD or All of Us focused only on variants originally prescribed as VUS in ClinVar. To ensure reproducibility, transparency, and increased throughput, all the procedures for annotating variants and assigning evidence codes were codified using Python. All code has been made freely available and is linked in the Code Availability section and all reclassified variants with evidence codes used can be found in Tables S18-19 (preprint: doi:10.1101/2024.04.11.24305690). For the MAVE data, the clinical curation and clinical strength assignment as per the ClinGen recommendations in Brnich et al. (2020) (PMID: 31892348) for or against pathogenicity or benignity of each of these MAVE datasets utilized in this study were previously published in Fayer et al. (2021) (PMID: 34793697).In brief, for BRCA1 variants, if a variant was categorized as FUNC (functional), it was assigned BS3 evidence and no PS3 evidence, whereas if it was categorized as LOF (loss of function), the variant was assigned PS3 evidence and no BS3 evidence. Variants categorized as INT (intermediate) were left unannotated. For the BRCA1 combining criteria, greater than or equal to 1 criteria of strong benign evidence was enough to reclassify the VUS as Likely Benign. This variant GRCh38:17:43067616:A>G was assigned evidence codes ['BS3', 'BP4'] and an overall classification of Likely benign

Baylor Genetics
Classification: Uncertain significance for Breast-ovarian cancer, familial, susceptibility to, 1. Last evaluated: 2024-03-29. Review status: criteria provided, single submitter. Criteria: ACMG Guidelines, 2015. Collection method: clinical testing. Allele origin: unknown.

GeneDx
Classification: Uncertain significance. Last evaluated: 2023-04-21. Review status: criteria provided, single submitter. Criteria: GeneDx Variant Classification Process June 2021. Collection method: clinical testing. Allele origin: germline. Affected: yes.
Comment: Functional studies demonstrate conflicting results: protein folding has been shown to be normal and the variant was functional based on saturation genome editing assay; however, there is also evidence of phosphopeptide binding being compromised as well as and transcriptional activity being intermediate (Lee et al., 2010; Findlay et al., 2018); Observed in individuals with breast cancer (Momozawa et al., 2018; Montalban et al., 2019); Not observed at significant frequency in large population cohorts (gnomAD); In silico analysis supports that this missense variant has a deleterious effect on protein structure/function; Also known as 5185T>C; This variant is associated with the following publications: (PMID: 20516115, 16267036, 35665744, 25348405, 32803532, 29884841, 32257056, 32377563, 30765603, 31343793, Yi2018[Poster], 30209399, 30287823)

Breast Center, Key Laboratory of Carcinogenesis and Translational Research
Classification: Uncertain significance for Hereditary breast and ovarian cancer syndrome. Last evaluated: 2020-05-01. Review status: criteria provided, single submitter. Criteria: ACMG Guidelines, 2015. Collection method: clinical testing. Allele origin: germline. Observed: 1 variant allele.

NM_007294.4(BRCA1):c.5066T>C (p.Met1689Thr)

Gene: BRCA1 (BRCA1 DNA repair associated; minus strand). Cytogenetic location: 17q21.31.
Variant type: single nucleotide variant.
Coding change: c.5066T>C on transcript NM_007294.4 (MANE Select); coding-DNA position 5066, T replaced by C.
Protein change: p.Met1689Thr; replaces methionine 1689 with threonine.
Molecular consequence: missense variant. On other transcripts: non-coding transcript variant (1).
Genome position (GRCh38, 1-based): chr17:43,067,616, A>G on the plus strand (T>C on the coding strand, the complement: BRCA1 is on the minus strand). VCF-style: chr17-43067616-A-G. GRCh37 (hg19) VCF-style: chr17-41219633-A-G.
Other names: c.5063T>C, p.Met1688Thr (NM_001407617.1, NM_001407618.1, NM_001407619.1 and 17 more transcripts); c.5060T>C, p.Met1687Thr (NM_001407636.1, NM_001407637.1, NM_001407638.1 and 14 more transcripts); c.5057T>C, p.Met1686Thr (NM_001407644.1, NM_001407645.1); c.5054T>C, p.Met1685Thr (NM_001407646.1); c.4985T>C, p.Met1662Thr (NM_001407658.1, NM_001407656.1, NM_001407657.1); c.4982T>C, p.Met1661Thr (NM_001407659.1, NM_001407660.1, NM_001407661.1 and 2 more transcripts); c.4943T>C, p.Met1648Thr (NM_001407664.1, NM_001407665.1, NM_001407666.1 and 6 more transcripts); c.4925T>C, p.Met1642Thr (NM_001407697.1, NM_001407698.1, NM_001407724.1 and 13 more transcripts); and 70 more; short protein forms M1689T, M585T, M1642T, M1710T, M1393T, M1600T, M1618T, M1647T.
Identifiers: ClinVar variation 55369 (VCV000055369.31), dbSNP rs80357061, ClinGen allele CA003181.